The following is an entry in ClinVar:

NM_004055.5(CAPN5):c.184del (p.Arg62fs)

Gene: CAPN5 (calpain 5; plus strand). Cytogenetic location: 11q13.5.
Variant type: Deletion.
Coding change: c.184del on transcript NM_004055.5 (MANE Select); coding-DNA position 184, one base deleted (C; older notation c.184delC).
Protein change: p.Arg62fs; shifts the reading frame from arginine 62.
Molecular consequence: frameshift variant.
Genome position (GRCh38, 1-based): chr11:77,093,700, C deleted; the last of 5 consecutive C bases (chr11:77,093,696-77,093,700); deleting any one gives the same sequence. VCF-style (leftmost placement, unchanged base first): chr11-77093695-AC-A. GRCh37 (hg19) VCF-style: chr11-76804741-AC-A.
Other names: short protein forms R62fs.
Identifiers: ClinVar variation 2013690 (VCV002013690.4), dbSNP rs2496212866, ClinGen allele CA2580084899.

ClinVar aggregate classification (germline): Uncertain significance (1 of 4 stars; one submission).

Submission:

Labcorp Genetics (formerly Invitae), Labcorp
Classification: Uncertain significance. Last evaluated: 2022-07-23. Review status: criteria provided, single submitter. Criteria: Invitae Variant Classification Sherloc (09022015). Collection method: clinical testing. Allele origin: germline.
Comment: In summary, the available evidence is currently insufficient to determine the role of this variant in disease. Therefore, it has been classified as a Variant of Uncertain Significance. Experimental studies and prediction algorithms are not available or were not evaluated, and the functional significance of this variant is currently unknown. This variant has not been reported in the literature in individuals affected with CAPN5-related conditions. This variant is not present in population databases (gnomAD no frequency). This sequence change creates a premature translational stop signal (p.Arg62Alafs*101) in the CAPN5 gene. It is expected to result in an absent or disrupted protein product. However, the current clinical and genetic evidence is not sufficient to establish whether loss-of-function variants in CAPN5 cause disease.